The following is an entry in ClinVar:

NM_007294.4(BRCA1):c.2791G>T (p.Val931Leu)

Gene: BRCA1 (BRCA1 DNA repair associated; minus strand). Cytogenetic location: 17q21.31.
Variant type: single nucleotide variant.
Coding change: c.2791G>T on transcript NM_007294.4 (MANE Select); coding-DNA position 2791, G replaced by T.
Protein change: p.Val931Leu; replaces valine 931 with leucine.
Molecular consequence: missense variant. On other transcripts: intron variant (137).
Genome position (GRCh38, 1-based): chr17:43,092,740, C>A on the plus strand (G>T on the coding strand, the complement: BRCA1 is on the minus strand). VCF-style: chr17-43092740-C-A. GRCh37 (hg19) VCF-style: chr17-41244757-C-A.
Other names: c.2527G>T, p.Val843Leu (NM_001407925.1, NM_001407926.1, NM_001407927.1 and 9 more transcripts); c.2524G>T, p.Val842Leu (NM_001407930.1, NM_001407931.1, NM_001407932.1 and 2 more transcripts); c.2668G>T, p.Val890Leu (NM_001407937.1, NM_001407938.1, NM_001407939.1 and 19 more transcripts); c.2665G>T, p.Val889Leu (NM_001407940.1, NM_001407941.1, NM_001407649.1 and 11 more transcripts); c.2650G>T, p.Val884Leu (NM_001407942.1, NM_001407944.1, NM_001407945.1 and 29 more transcripts); c.2647G>T, p.Val883Leu (NM_001407943.1, NM_001407964.1, NM_001407740.1 and 20 more transcripts); c.2458G>T, p.Val820Leu (NM_001407946.1, NM_001407947.1, NM_001407948.1 and 6 more transcripts); c.2455G>T, p.Val819Leu (NM_001407954.1, NM_001407955.1, NM_001407956.1 and 1 more transcripts); and 41 more; short protein forms V931L, V884L, V819L, V861L, V883L, V905L, V930L, V763L.
Identifiers: ClinVar variation 219899 (VCV000219899.30), dbSNP rs763639161, ClinGen allele CA058319.

ClinVar aggregate classification (germline): Conflicting classifications of pathogenicity. Review status: criteria provided, conflicting classifications (1 of 4 stars). 8 submissions from 8 submitters: Uncertain significance (7); Likely benign (1). Last evaluated 2025-06-15.

Conditions:
Breast and/or ovarian cancer. Identifiers: MedGen CN221562.
Hereditary cancer-predisposing syndrome. Also called: Tumor predisposition; Neoplastic Syndromes, Hereditary; Hereditary Cancer Syndrome; Hereditary neoplastic syndrome. Identifiers: Orphanet 140162, MedGen C0027672, MeSH D009386, MONDO:0015356.
Hereditary breast ovarian cancer syndrome. Also called: BRCA1- and BRCA2-Associated Hereditary Breast and Ovarian Cancer; Hereditary breast and/or ovarian cancer syndrome; Hereditary breast and ovarian cancer; Hereditary breast and ovarian cancer syndrome; Hereditary breast and ovarian cancer syndrome (HBOC); Breast and ovarian cancer. Identifiers: Orphanet 145, MedGen C0677776, MeSH D061325, MONDO:0003582. Disease mechanism: loss of function.

Allele frequency attached by ClinVar (database versions not stated): ExAC 0.00001; gnomAD exomes 0.00001.

Submissions (8):

Labcorp Genetics (formerly Invitae), Labcorp
Classification: Uncertain significance for Hereditary breast ovarian cancer syndrome. Last evaluated: 2025-06-15. Review status: criteria provided, single submitter. Criteria: Invitae Variant Classification Sherloc (09022015). Collection method: clinical testing. Allele origin: germline.
Comment: This sequence change replaces valine, which is neutral and non-polar, with leucine, which is neutral and non-polar, at codon 931 of the BRCA1 protein (p.Val931Leu). This variant is present in population databases (rs763639161, gnomAD 0.002%). This missense change has been observed in individual(s) with hereditary breast and ovarian cancer (PMID: 27376475). ClinVar contains an entry for this variant (Variation ID: 219899). Invitae Evidence Modeling of protein sequence and biophysical properties (such as structural, functional, and spatial information, amino acid conservation, physicochemical variation, residue mobility, and thermodynamic stability) indicates that this missense variant is not expected to disrupt BRCA1 protein function with a negative predictive value of 80%. In summary, the available evidence is currently insufficient to determine the role of this variant in disease. Therefore, it has been classified as a Variant of Uncertain Significance.

Women's Health and Genetics/Laboratory Corporation of America, LabCorp
Classification: Uncertain significance. Last evaluated: 2024-11-20. Review status: criteria provided, single submitter. Criteria: LabCorp Variant Classification Summary - May 2015. Collection method: clinical testing. Allele origin: germline.
Comment: Variant summary: BRCA1 c.2791G>T (p.Val931Leu) results in a conservative amino acid change in the encoded protein sequence. Five of five in-silico tools predict a benign effect of the variant on protein function. The variant allele was found at a frequency of 8e-06 in 251106 control chromosomes. The available data on variant occurrences in the general population are insufficient to allow any conclusion about variant significance. c.2791G>T has been reported in the literature in individuals affected with Hereditary Breast and Ovarian Cancer (Schenkel_2016, Li_2018). These reports do not provide unequivocal conclusions about association of the variant with Hereditary Breast and Ovarian Cancer. To our knowledge, no experimental evidence demonstrating an impact on protein function has been reported. The following publications have been ascertained in the context of this evaluation (PMID: 27376475, 30584090). ClinVar contains an entry for this variant (Variation ID: 219899). Based on the evidence outlined above, the variant was classified as uncertain significance.

Blueprint Genetics
Classification: Uncertain significance. Last evaluated: 2024-08-27. Review status: criteria provided, single submitter. Criteria: ACMG Guidelines, 2015. Collection method: clinical testing. Allele origin: germline.

Ambry Genetics
Classification: Uncertain significance for Hereditary cancer-predisposing syndrome. Last evaluated: 2024-08-01. Review status: criteria provided, single submitter. Criteria: Ambry Variant Classification Scheme 2023. Collection method: clinical testing. Allele origin: germline.
Comment: The p.V931L variant (also known as c.2791G>T), located in coding exon 9 of the BRCA1 gene, results from a G to T substitution at nucleotide position 2791. The valine at codon 931 is replaced by leucine, an amino acid with highly similar properties. This alteration has been reported in a patient with hereditary breast and/or ovarian cancer (Schenkel LC et al. J Mol Diagn, 2016 09;18:657-667).This amino acid position is poorly conserved in available vertebrate species. In addition, the in silico prediction for this alteration is inconclusive. Since supporting evidence is limited at this time, the clinical significance of this alteration remains unclear.

Color Diagnostics, LLC DBA Color Health
Classification: Uncertain significance for Hereditary cancer-predisposing syndrome. Last evaluated: 2023-08-24. Review status: criteria provided, single submitter. Criteria: ACMG Guidelines, 2015. Collection method: clinical testing. Allele origin: germline.
Comment: This missense variant replaces valine with leucine at codon 931 of the BRCA1 protein. Computational prediction suggests that this variant may not impact protein structure and function (internally defined REVEL score threshold <= 0.5, PMID: 27666373). To our knowledge, functional studies have not been reported for this variant. This variant has been reported in an individual affected with ovarian cancer (PMID: 30584090). This variant has been identified in 2/251106 chromosomes in the general population by the Genome Aggregation Database (gnomAD). The available evidence is insufficient to determine the role of this variant in disease conclusively. Therefore, this variant is classified as a Variant of Uncertain Significance.

University of Washington Department of Laboratory Medicine, University of Washington
Classification: Likely benign for Hereditary cancer-predisposing syndrome. Last evaluated: 2023-03-23. Review status: criteria provided, single submitter. Criteria: Dines et al. (Genet Med. 2020). Collection method: curation. Allele origin: germline.
Comment: Missense variant in a coldspot region where missense variants are very unlikely to be pathogenic (PMID:31911673).

BRCA1 coldspot (exon 11 using historical exon numbering). Reclassification based on statistical prior probability

GeneDx
Classification: Uncertain significance. Last evaluated: 2021-11-08. Review status: criteria provided, single submitter. Criteria: GeneDx Variant Classification Process June 2021. Collection method: clinical testing. Allele origin: germline. Affected: yes.
Comment: Not observed at significant frequency in large population cohorts (Lek et al., 2016); In silico analysis supports that this missense variant does not alter protein structure/function; Also known as 2910G>T; This variant is associated with the following publications: (PMID: 28726806, 27376475, 15343273)

CHEO Genetics Diagnostic Laboratory, Children's Hospital of Eastern Ontario
Classification: Uncertain significance for Breast and/or ovarian cancer. Last evaluated: 2019-06-05. Review status: criteria provided, single submitter. Criteria: ACMG Guidelines, 2015. Collection method: clinical testing. Allele origin: germline.

Literature cited by the submitters: PubMed 27376475 (cited by 3 submitters); PubMed 30584090 (cited by Women's Health and Genetics/Laboratory Corporation of America, LabCorp and Color Diagnostics, LLC DBA Color Health).